The following is an entry in ClinVar:

ClinVar aggregate classification (germline): Uncertain significance. Review status: criteria provided, multiple submitters, no conflicts (2 of 4 stars). 2 submissions from 2 submitters: Uncertain significance (2). Last evaluated 2024-10-24.

Conditions:
Inborn genetic diseases. Identifiers: MedGen C0950123, MeSH D030342.
Autosomal dominant nonsyndromic hearing loss 1. Also called: KONIGSMARK SYNDROME; DEAFNESS, AUTOSOMAL DOMINANT 1, WITH OR WITHOUT THROMBOCYTOPENIA. Identifiers: Orphanet 90635, MedGen C1852282, MONDO:0007424, OMIM 124900.
Progressive microcephaly-seizures-cortical blindness-developmental delay syndrome. Also called: Seizures, cortical blindness, and microcephaly syndrome. Identifiers: Orphanet 477814, MedGen C5567650, MONDO:0014714, OMIM 616632.

Allele frequency attached by ClinVar (database versions not stated): gnomAD exomes below 0.00001.

Submissions (2):

Labcorp Genetics (formerly Invitae), Labcorp
Classification: Uncertain significance for Progressive microcephaly-seizures-cortical blindness-developmental delay syndrome; Autosomal dominant nonsyndromic hearing loss 1. Last evaluated: 2024-10-24. Review status: criteria provided, single submitter. Criteria: Invitae Variant Classification Sherloc (09022015). Collection method: clinical testing. Allele origin: germline.
Comment: This sequence change replaces methionine, which is neutral and non-polar, with valine, which is neutral and non-polar, at codon 103 of the DIAPH1 protein (p.Met103Val). This variant is not present in population databases (gnomAD no frequency). This variant has not been reported in the literature in individuals affected with DIAPH1-related conditions. ClinVar contains an entry for this variant (Variation ID: 1046809). Experimental studies and prediction algorithms are not available or were not evaluated, and the functional significance of this variant is currently unknown. In summary, the available evidence is currently insufficient to determine the role of this variant in disease. Therefore, it has been classified as a Variant of Uncertain Significance.

Ambry Genetics
Classification: Uncertain significance for Inborn genetic diseases. Last evaluated: 2022-04-18. Review status: criteria provided, single submitter. Criteria: Ambry Variant Classification Scheme 2023. Collection method: clinical testing. Allele origin: germline.

NM_005219.5(DIAPH1):c.307A>G (p.Met103Val)

Gene: DIAPH1 (diaphanous related formin 1; minus strand). Cytogenetic location: 5q31.3.
Variant type: single nucleotide variant.
Coding change: c.307A>G on transcript NM_005219.5 (MANE Select); coding-DNA position 307, A replaced by G.
Protein change: p.Met103Val; replaces methionine 103 with valine.
Molecular consequence: missense variant.
Genome position (GRCh38, 1-based): chr5:141,584,219, T>C on the plus strand (A>G on the coding strand, the complement: DIAPH1 is on the minus strand). VCF-style: chr5-141584219-T-C. GRCh37 (hg19) VCF-style: chr5-140963786-T-C.
Other names: c.307A>G (NM_005219.4); c.280A>G, p.Met94Val (NM_001079812.3); c.307A>G, p.Met103Val (NM_001314007.2); short protein forms M103V, M94V.
Identifiers: ClinVar variation 1046809 (VCV001046809.10), dbSNP rs2099897198, ClinGen allele CA361544224.